The following is an entry in ClinVar:

NM_016077.5(PTRH2):c.61G>A (p.Val21Ile)

Gene: PTRH2 (peptidyl-tRNA hydrolase 2; minus strand). Cytogenetic location: 17q23.1.
Variant type: single nucleotide variant.
Coding change: c.61G>A on transcript NM_016077.5 (MANE Select); coding-DNA position 61, G replaced by A.
Protein change: p.Val21Ile; replaces valine 21 with isoleucine.
Molecular consequence: missense variant.
Genome position (GRCh38, 1-based): chr17:59,697,918, C>T on the plus strand (G>A on the coding strand, the complement: PTRH2 is on the minus strand). VCF-style: chr17-59697918-C-T. GRCh37 (hg19) VCF-style: chr17-57775279-C-T.
Other names: p.Val21Ile; c.64G>A, p.Val22Ile (NM_001015509.3); short protein forms V21I, V22I.
Identifiers: ClinVar variation 516408 (VCV000516408.18), dbSNP rs76310651, ClinGen allele CA8681957.

ClinVar aggregate classification (germline): Benign/Likely benign. Review status: criteria provided, multiple submitters, no conflicts (2 of 4 stars). 6 submissions from 6 submitters: Benign (1); Likely benign (4). 1 of the submissions does not count toward it. Last evaluated 2026-07-01.

Conditions:
PTRH2-related disorder. Also called: PTRH2-related condition.

Allele frequency attached by ClinVar (database versions not stated): 1000 Genomes Project 0.00220; 1000 Genomes Project 30x 0.00234; TOPMed 0.00358; gnomAD 0.00365 and 0.00379; ExAC 0.00417; gnomAD exomes 0.00425; ESP Exome Variant Server 0.00438.
gnomAD v4.1: 8,011 of 1,614,152 alleles (0.5%); highest among the groups gnomAD compares: Middle Eastern, 1.6%; 19 homozygotes.

Submissions (6):

CeGaT Center for Human Genetics Tuebingen
Classification: Likely benign. Last evaluated: 2026-07-01. Review status: criteria provided, single submitter. Criteria: CeGaT Center For Human Genetics Tuebingen Variant Classification Criteria Version 2. Collection method: clinical testing. Allele origin: germline. Affected: yes. Observed: 8 variant alleles.
Comment: PTRH2: BP4, BS2

Mayo Clinic Laboratories, Mayo Clinic
Classification: Benign. Last evaluated: 2024-09-23. Review status: criteria provided, single submitter. Criteria: ACMG Guidelines, 2015. Collection method: clinical testing. Allele origin: germline. Observed: 16 variant alleles.
Comment: BA1, BP4

Labcorp Genetics (formerly Invitae), Labcorp
Classification: Likely benign. Last evaluated: 2019-12-31. Review status: criteria provided, single submitter. Criteria: Invitae Variant Classification Sherloc (09022015). Collection method: clinical testing. Allele origin: germline.

GeneDx
Classification: Likely benign. Last evaluated: 2018-05-04. Review status: criteria provided, single submitter. Criteria: GeneDx Variant Classification Process June 2021. Collection method: clinical testing. Allele origin: germline. Affected: yes.

Breakthrough Genomics
Classification: Likely benign. Review status: criteria provided, single submitter. Criteria: ACMG Guidelines, 2015. Collection method: not provided. Allele origin: germline. Inheritance: Autosomal recessive inheritance. Affected: yes.

PreventionGenetics, part of Exact Sciences
Classification: Benign for PTRH2-related condition. Last evaluated: 2019-07-25. Review status: no assertion criteria provided. Collection method: clinical testing. Allele origin: germline. Not counted in ClinVar's aggregate classification.
Comment: This variant is classified as benign based on ACMG/AMP sequence variant interpretation guidelines (Richards et al. 2015 PMID: 25741868, with internal and published modifications).